The following is an entry in ClinVar:

NM_032490.5(GON7):c.-6G>A

Gene: GON7 (GON7 subunit of KEOPS complex; minus strand). Cytogenetic location: 14q32.12.
Variant type: single nucleotide variant.
Coding change: c.-6G>A on transcript NM_032490.5 (MANE Select); 6 bases upstream of the start codon, G replaced by A.
Molecular consequence: 5 prime UTR variant.
Genome position (GRCh38, 1-based): chr14:93,207,043, C>T on the plus strand (G>A on the coding strand, the complement: GON7 is on the minus strand). VCF-style: chr14-93207043-C-T. GRCh37 (hg19) VCF-style: chr14-93673388-C-T.
Identifiers: ClinVar variation 4980898 (VCV004980898.1).

ClinVar aggregate classification (germline): Likely benign (1 of 4 stars; one submission).

Conditions:
GON7-related disorder. Also called: GON7-related condition.

gnomAD v4.1: 1,092 of 1,612,434 alleles (0.068%); highest among the groups gnomAD compares: Non-Finnish European, 0.087%; no homozygotes.

Submission:

PreventionGenetics, part of Exact Sciences
Classification: Likely benign for GON7-related condition. Last evaluated: 2026-01-13. Review status: criteria provided, single submitter. Criteria: ACMG Guidelines, 2015. Collection method: clinical testing. Allele origin: germline.
Comment: This variant is classified as likely benign based on ACMG/AMP sequence variant interpretation guidelines (Richards et al. 2015 PMID: 25741868, with internal and published modifications).